The following is an entry in ClinVar:

NM_001042618.2(PARP2):c.665A>G (p.Asp222Gly)

Gene: PARP2 (poly(ADP-ribose) polymerase 2; plus strand). Cytogenetic location: 14q11.2.
Variant type: single nucleotide variant.
Coding change: c.665A>G on transcript NM_001042618.2 (MANE Select); coding-DNA position 665, A replaced by G.
Protein change: p.Asp222Gly; replaces aspartic acid 222 with glycine.
Molecular consequence: missense variant.
Genome position (GRCh38, 1-based): chr14:20,354,149, A>G. VCF-style: chr14-20354149-A-G. GRCh37 (hg19) VCF-style: chr14-20822308-A-G.
Other names: c.704A>G, p.Asp235Gly (NM_005484.4); short protein forms D222G, D235G.
Identifiers: ClinVar variation 1230992 (VCV001230992.26), dbSNP rs3093921, ClinGen allele CA7077790.

ClinVar aggregate classification (germline): Benign. Review status: criteria provided, multiple submitters, no conflicts (2 of 4 stars). 3 submissions from 3 submitters: Benign (3). Last evaluated 2024-02-01.

Allele frequency attached by ClinVar (database versions not stated): 1000 Genomes Project 0.00739; 1000 Genomes Project 30x 0.00781; TOPMed 0.01330; ESP Exome Variant Server 0.01662; gnomAD 0.01875 and 0.01958; gnomAD exomes 0.01930 and 0.02024; ExAC 0.01939.

Submissions (3):

CeGaT Center for Human Genetics Tuebingen
Classification: Benign. Last evaluated: 2024-02-01. Review status: criteria provided, single submitter. Criteria: CeGaT Center For Human Genetics Tuebingen Variant Classification Criteria Version 2. Collection method: clinical testing. Allele origin: germline. Affected: yes. Observed: 1 variant allele.
Comment: PARP2: BP4, BS1, BS2

GeneDx
Classification: Benign. Last evaluated: 2019-01-18. Review status: criteria provided, single submitter. Criteria: GeneDx Variant Classification Process June 2021. Collection method: clinical testing. Allele origin: germline. Affected: yes.
Comment: This variant is associated with the following publications: (PMID: 29484706)

Breakthrough Genomics
Classification: Benign. Review status: criteria provided, single submitter. Criteria: ACMG Guidelines, 2015. Collection method: not provided. Allele origin: germline. Inheritance: Unknown mechanism. Affected: yes.